The following is an entry in ClinVar:

ClinVar aggregate classification (germline): Pathogenic (0 of 4 stars; one submission).

Conditions:
Alkaptonuria (AKU). Also called: Alkaptonuric ochronosis; Homogentisic acidura; Alcaptonuria; HOMOGENTISIC ACID OXIDASE DEFICIENCY. Identifiers: Orphanet 56, MedGen C0002066, MONDO:0008753, OMIM 203500.

Submission:

Department Of Human Genetics, Institute Of Clinical And Translational Research, Biomedical Research Center, Slovak Academy Of Sciences
Classification: Pathogenic for Alkaptonuria. Review status: no assertion criteria provided. Collection method: research. Allele origin: germline. Inheritance: Autosomal recessive inheritance. Affected: yes. Observed: 6 variant alleles.
Comment: The variant was originally described in AKU patient in PMID:10340975. It has been submitted to the HGD gene mutation database (DB-ID: AKU_00006).

Literature cited by the submitters: PubMed 10340975.

NM_000187.4(HGD):c.74T>C (p.Leu25Pro)

Gene: HGD (homogentisate 1,2-dioxygenase; minus strand). Cytogenetic location: 3q13.33.
Variant type: single nucleotide variant.
Coding change: c.74T>C on transcript NM_000187.4 (MANE Select); coding-DNA position 74, T replaced by C.
Protein change: p.Leu25Pro; replaces leucine 25 with proline.
Molecular consequence: missense variant.
Genome position (GRCh38, 1-based): chr3:120,675,805, A>G on the plus strand (T>C on the coding strand, the complement: HGD is on the minus strand). VCF-style: chr3-120675805-A-G. GRCh37 (hg19) VCF-style: chr3-120394652-A-G.
Other names: short protein forms L25P.
Identifiers: ClinVar variation 2626849 (VCV002626849.1), dbSNP rs2472804606, ClinGen allele CA354082647.